The following is an entry in ClinVar:

ClinVar aggregate classification (germline): Uncertain significance (1 of 4 stars; one submission).

Conditions:
Severe myoclonic epilepsy in infancy (DRVT). Also called: DEVELOPMENTAL AND EPILEPTIC ENCEPHALOPATHY 6A; Severe Myoclonic Epilepsy in Infancy (SMEI); Dravet syndrome; Epileptic encephalopathy, early infantile, 6 (Dravet syndrome); SEVERE MYOCLONIC EPILEPSY OF INFANCY. Identifiers: Orphanet 33069, MedGen C0751122, MONDO:0100135, OMIM 607208.

Allele frequency attached by ClinVar (database versions not stated): TOPMed below 0.00001.
gnomAD v4.1: 15 of 1,356,312 alleles (0.0011%); highest among the groups gnomAD compares: Non-Finnish European, 0.0014%; no homozygotes.

Submission:

Labcorp Genetics (formerly Invitae), Labcorp
Classification: Uncertain significance for Severe myoclonic epilepsy in infancy. Last evaluated: 2021-09-24. Review status: criteria provided, single submitter. Criteria: Invitae Variant Classification Sherloc (09022015). Collection method: clinical testing. Allele origin: germline.
Comment: This sequence change replaces aspartic acid with alanine at codon 5 of the SNX27 protein (p.Asp5Ala). The aspartic acid residue is moderately conserved and there is a moderate physicochemical difference between aspartic acid and alanine. The frequency data for this variant in the population databases is considered unreliable, as metrics indicate insufficient coverage at this position in the ExAC database. This variant has not been reported in the literature in individuals affected with SNX27-related conditions. Algorithms developed to predict the effect of missense changes on protein structure and function are either unavailable or do not agree on the potential impact of this missense change (SIFT: "Deleterious"; PolyPhen-2: "Benign"; Align-GVGD: "Class C0"). In summary, the available evidence is currently insufficient to determine the role of this variant in disease. Therefore, it has been classified as a Variant of Uncertain Significance.

NM_001330723.2(SNX27):c.14A>C (p.Asp5Ala)

Genes: SNX27 (sorting nexin 27; plus strand), LOC129931442 (ATAC-STARR-seq lymphoblastoid silent region 1324; plus strand). Cytogenetic location: 1q21.3.
Variant type: single nucleotide variant.
Coding change: c.14A>C on transcript NM_001330723.2 (MANE Select); coding-DNA position 14, A replaced by C.
Protein change: p.Asp5Ala; replaces aspartic acid 5 with alanine.
Molecular consequence: missense variant.
Genome position (GRCh38, 1-based): chr1:151,612,215, A>C. VCF-style: chr1-151612215-A-C. GRCh37 (hg19) VCF-style: chr1-151584691-A-C.
Other names: c.14A>C, p.Asp5Ala (NM_030918.6); short protein forms D5A.
Identifiers: ClinVar variation 1469123 (VCV001469123.3), dbSNP rs1667204535, ClinGen allele CA341973313.